The following is an entry in ClinVar:

ClinVar aggregate classification (germline): Uncertain significance. Review status: criteria provided, multiple submitters, no conflicts (2 of 4 stars). 5 submissions from 5 submitters: Uncertain significance (4). 1 of the submissions does not count toward it. Last evaluated 2025-04-14.

Conditions:
RDH12-related disorder. Also called: RDH12-related disorders; RDH12-related condition.
Inborn genetic diseases. Identifiers: MedGen C0950123, MeSH D030342.
Leber congenital amaurosis (LCA). Also called: Leber's amaurosis. Identifiers: Orphanet 65, MedGen C0339527, MeSH D057130, MONDO:0018998.
Retinal dystrophy. Also called: Inherited retinal dystrophy. Identifiers: Orphanet 71862, MedGen C0854723, MeSH D058499, MONDO:0019118, HP:0000556.

Allele frequency attached by ClinVar (database versions not stated): gnomAD 0.00005; gnomAD exomes 0.00005 and 0.00007; TOPMed 0.00005; ExAC 0.00008; ESP Exome Variant Server 0.00008.
gnomAD v4.1: 78 of 1,613,680 alleles (0.0048%); highest among the groups gnomAD compares: Non-Finnish European, 0.0063%; no homozygotes.

Submissions (5):

PreventionGenetics, part of Exact Sciences
Classification: Uncertain significance for RDH12-related condition. Last evaluated: 2025-04-14. Review status: criteria provided, single submitter. Criteria: ACMG Guidelines, 2015. Collection method: clinical testing. Allele origin: germline.
Comment: The RDH12 c.313A>G variant is predicted to result in the amino acid substitution p.Ile105Val. To our knowledge, this variant has not been reported in the literature. This variant is reported in 0.015% of alleles in individuals of European (Non-Finnish) descent in gnomAD. At this time, the clinical significance of this variant is uncertain due to the absence of conclusive functional and genetic evidence.

Blueprint Genetics
Classification: Uncertain significance. Last evaluated: 2024-09-25. Review status: criteria provided, single submitter. Criteria: ACMG Guidelines, 2015. Collection method: clinical testing. Allele origin: germline.

Ambry Genetics
Classification: Uncertain significance for Inborn genetic diseases. Last evaluated: 2024-01-24. Review status: criteria provided, single submitter. Criteria: Ambry Variant Classification Scheme 2023. Collection method: clinical testing. Allele origin: germline.

Dept Of Ophthalmology, Nagoya University
Classification: Uncertain significance for Retinal dystrophy. Last evaluated: 2023-10-01. Review status: criteria provided, single submitter. Criteria: Submitter's publication. Collection method: research. Allele origin: germline. Affected: yes.

Natera, Inc.
Classification: Uncertain significance for Leber congenital amaurosis. Last evaluated: 2020-04-17. Review status: no assertion criteria provided. Collection method: clinical testing. Allele origin: germline. Not counted in ClinVar's aggregate classification.

NM_152443.3(RDH12):c.313A>G (p.Ile105Val)

Genes: GPHN (gephyrin; plus strand), RDH12 (retinol dehydrogenase 12; plus strand). Cytogenetic location: 14q24.1.
Variant type: single nucleotide variant.
Coding change: c.313A>G on transcript NM_152443.3 (MANE Select); coding-DNA position 313, A replaced by G.
Protein change: p.Ile105Val; replaces isoleucine 105 with valine.
Molecular consequence: missense variant.
Genome position (GRCh38, 1-based): chr14:67,725,224, A>G. VCF-style: chr14-67725224-A-G. GRCh37 (hg19) VCF-style: chr14-68191941-A-G.
Other names: c.313A>G (NM_152443.2); short protein forms I105V.
Identifiers: ClinVar variation 989719 (VCV000989719.5), dbSNP rs371493398, ClinGen allele CA7238665.